The following is an entry in ClinVar:

NM_016097.5(IER3IP1):c.113_122del (p.Gly38fs)

Gene: IER3IP1 (immediate early response 3 interacting protein 1; minus strand). Cytogenetic location: 18q21.1.
Variant type: Deletion.
Coding change: c.113_122del on transcript NM_016097.5 (MANE Select); coding-DNA positions 113 to 122, 10 bases deleted (GAATTGGTGG; older notation c.113_122delGAATTGGTGG).
Protein change: p.Gly38fs; shifts the reading frame from glycine 38.
Molecular consequence: frameshift variant.
Genome position (GRCh38, 1-based): chr18:47,157,507-47,157,516, CCACCAATTC deleted on the plus strand (GAATTGGTGG on the coding strand, the reverse complement: IER3IP1 is on the minus strand); deleting any 10 consecutive bases within chr18:47,157,507-47,157,518 gives the same sequence; the c. name uses the placement nearest the transcript's 3' end. VCF-style (leftmost placement, unchanged base first): chr18-47157506-TCCACCAATTC-T. GRCh37 (hg19) VCF-style: chr18-44683877-TCCACCAATTC-T.
Other names: short protein forms G38fs.
Identifiers: ClinVar variation 2022440 (VCV002022440.4), dbSNP rs2511880673, ClinGen allele CA2580095773.
Genomic context (GRCh38, chr18:47,157,506, plus strand): 5'-GGTTCTTACAGATCGAATAAGGTTCATTAGCTGTGATTTAATTCCCGGCTCTTCTCCAAA[TCCACCAATTC>T]CCTGGTCTGTTCCCCAGCCAACTGTATAATGTAAAGATTAGCTGTGTTAAAAGTTATTAC-3'

ClinVar aggregate classification (germline): Uncertain significance (1 of 4 stars; one submission).

Conditions:
Microcephaly, epilepsy, and diabetes syndrome. Identifiers: Orphanet 306558, MedGen C3280240, MONDO:0100328.

Submission:

Labcorp Genetics (formerly Invitae), Labcorp
Classification: Uncertain significance for Microcephaly, epilepsy, and diabetes syndrome. Last evaluated: 2024-04-29. Review status: criteria provided, single submitter. Criteria: Invitae Variant Classification Sherloc (09022015). Collection method: clinical testing. Allele origin: germline.
Comment: This sequence change creates a premature translational stop signal (p.Gly38Aspfs*12) in the IER3IP1 gene. While this is not anticipated to result in nonsense mediated decay, it is expected to disrupt the last 45 amino acid(s) of the IER3IP1 protein. This variant is not present in population databases (gnomAD no frequency). This variant has not been reported in the literature in individuals affected with IER3IP1-related conditions. ClinVar contains an entry for this variant (Variation ID: 2022440). Experimental studies and prediction algorithms are not available or were not evaluated, and the functional significance of this variant is currently unknown. In summary, the available evidence is currently insufficient to determine the role of this variant in disease. Therefore, it has been classified as a Variant of Uncertain Significance.